The following is an entry in ClinVar:

NM_181078.3(IL21R):c.853A>C (p.Ser285Arg)

Gene: IL21R (interleukin 21 receptor; plus strand). Cytogenetic location: 16p12.1.
Variant type: single nucleotide variant.
Coding change: c.853A>C on transcript NM_181078.3 (MANE Select); coding-DNA position 853, A replaced by C.
Protein change: p.Ser285Arg; replaces serine 285 with arginine.
Molecular consequence: missense variant.
Genome position (GRCh38, 1-based): chr16:27,446,074, A>C. VCF-style: chr16-27446074-A-C. GRCh37 (hg19) VCF-style: chr16-27457395-A-C.
Other names: c.853A>C, p.Ser285Arg (NM_021798.4); c.919A>C, p.Ser307Arg (NM_181079.5); short protein forms S285R, S307R.
Identifiers: ClinVar variation 2779572 (VCV002779572.3), dbSNP rs2543386258, ClinGen allele CA395305322.
Genomic context (GRCh38, chr16:27,446,074, plus strand): 5'-AAGAAGATATGGGCCGTCCCCAGCCCTGAGCGGTTCTTCATGCCCCTGTACAAGGGCTGC[A>C]GCGGAGACTTCAAGGTGAGCTCCCGACCCTGTGATGAGCTCCTCGGAGCCCCTCCTCCTC-3'
Protein context (NP_851564.1, residues 275-295): RFFMPLYKGC[Ser285Arg]GDFKKWVGAP

ClinVar aggregate classification (germline): Uncertain significance (1 of 4 stars; one submission).

Conditions:
Cryptosporidiosis-chronic cholangitis-liver disease syndrome. Also called: IL21R immunodeficiency; Immunodeficiency type 56. Identifiers: Orphanet 357329, MedGen C3554687, MONDO:0014082, OMIM 615207.

Allele frequency attached by ClinVar (database versions not stated): gnomAD exomes below 0.00001.
gnomAD v4.1: 1 of 1,613,638 alleles (0.000062%); highest among the groups gnomAD compares: Non-Finnish European, 0.000085%; no homozygotes.

Submission:

Labcorp Genetics (formerly Invitae), Labcorp
Classification: Uncertain significance for Cryptosporidiosis-chronic cholangitis-liver disease syndrome. Last evaluated: 2023-08-04. Review status: criteria provided, single submitter. Criteria: Invitae Variant Classification Sherloc (09022015). Collection method: clinical testing. Allele origin: germline.
Comment: This variant is not present in population databases (gnomAD no frequency). In summary, the available evidence is currently insufficient to determine the role of this variant in disease. Therefore, it has been classified as a Variant of Uncertain Significance. Advanced modeling of protein sequence and biophysical properties (such as structural, functional, and spatial information, amino acid conservation, physicochemical variation, residue mobility, and thermodynamic stability) performed at Invitae indicates that this missense variant is not expected to disrupt IL21R protein function. This variant has not been reported in the literature in individuals affected with IL21R-related conditions. This sequence change replaces serine, which is neutral and polar, with arginine, which is basic and polar, at codon 285 of the IL21R protein (p.Ser285Arg).